The following is an entry in ClinVar:

NM_001365276.2(TNXB):c.10210_10211del (p.Asn3404fs)

Gene: TNXB (tenascin XB; minus strand). Cytogenetic location: 6p21.33.
Variant type: Deletion.
Coding change: c.10210_10211del on transcript NM_001365276.2 (MANE Select); coding-DNA positions 10210 to 10211, 2 bases deleted (AA; older notation c.10210_10211delAA).
Protein change: p.Asn3404fs; shifts the reading frame from asparagine 3404.
Molecular consequence: frameshift variant.
Genome position (GRCh38, 1-based): chr6:32,047,847-32,047,848, TT deleted on the plus strand (AA on the coding strand, the reverse complement: TNXB is on the minus strand). VCF-style (leftmost placement, unchanged base first): chr6-32047846-GTT-G. GRCh37 (hg19) VCF-style: chr6-32015623-GTT-G.
Other names: c.10951_10952del, p.Asn3651fs (NM_001428335.1); c.10204_10205del, p.Asn3402fs (NM_019105.8); short protein forms N3402fs, N3404fs, N3651fs.
Identifiers: ClinVar variation 5015390 (VCV005015390.1).

ClinVar aggregate classification (germline): Pathogenic (1 of 4 stars; one submission).

Conditions:
Ehlers-Danlos syndrome due to tenascin-X deficiency (EDSCLL1). Also called: EDS DUE TO TNX DEFICIENCY; TNX DEFICIENCY; Ehlers-Danlos syndrome, classic-like, 1; EHLERS-DANLOS SYNDROME, CLASSIC-LIKE; TNXB-Related Classical-Like Ehlers-Danlos Syndrome. Identifiers: Orphanet 230839, MedGen C1848029, MONDO:0011670, OMIM 606408.

Submission:

Myriad Genetics, Inc.
Classification: Pathogenic for Ehlers-Danlos syndrome due to tenascin-X deficiency. Last evaluated: 2026-01-05. Review status: criteria provided, single submitter. Criteria: Myriad Autosomal Dominant, Autosomal Recessive and X-Linked Classification Criteria (2023). Collection method: clinical testing. Allele origin: unknown.
Comment: NM_019105.6(TNXB):c.10204_10205delAA(N3402Pfs*13) is expected to be pathogenic in the context of classical-like Ehlers-Danlos syndrome, TNXB-related. This variant is predicted to lead to an abnormal or absent protein product due to the creation of a premature termination codon in TNXB, a gene where loss-of-function variants are known to be pathogenic. Please note: this variant was assessed in the context of healthy population screening.